The following is an entry in ClinVar:

ClinVar aggregate classification (germline): Pathogenic (1 of 4 stars; one submission).

Submission:

Labcorp Genetics (formerly Invitae), Labcorp
Classification: Pathogenic. Last evaluated: 2025-03-26. Review status: criteria provided, single submitter. Criteria: Invitae Variant Classification Sherloc (09022015). Collection method: clinical testing. Allele origin: germline.
Comment: This sequence change creates a premature translational stop signal (p.Gly12Alafs*7) in the YARS2 gene. It is expected to result in an absent or disrupted protein product. Loss-of-function variants in YARS2 are known to be pathogenic (PMID: 20598274, 24344687, 25638461). This variant is not present in population databases (gnomAD no frequency). This variant has not been reported in the literature in individuals affected with YARS2-related conditions. For these reasons, this variant has been classified as Pathogenic.

Literature cited by the submitters: PubMed 20598274; PubMed 24344687; PubMed 25638461.

NM_001040436.3(YARS2):c.35del (p.Gly12fs)

Gene: YARS2 (tyrosyl-tRNA synthetase 2; minus strand). Cytogenetic location: 12p11.21.
Variant type: Deletion.
Coding change: c.35del on transcript NM_001040436.3 (MANE Select); coding-DNA position 35, one base deleted (G; older notation c.35delG).
Protein change: p.Gly12fs; shifts the reading frame from glycine 12.
Molecular consequence: frameshift variant.
Genome position (GRCh38, 1-based): chr12:32,755,840, C deleted on the plus strand (G on the coding strand, the reverse complement: YARS2 is on the minus strand); the first of 4 consecutive C bases (chr12:32,755,840-32,755,843); deleting any one gives the same sequence. VCF-style (leftmost placement, unchanged base first): chr12-32755839-GC-G. GRCh37 (hg19) VCF-style: chr12-32908773-GC-G.
Other names: short protein forms G12fs.
Identifiers: ClinVar variation 4716057 (VCV004716057.1).
Genomic context (GRCh38, chr12:32,755,839, plus strand): 5'-GTGGGCCTTACGCAGCCCCAAGGGCAACAATACTGAGAGATTTAGGGTACCAGACCACCG[GC>G]CCCAGGAAAAGGACCGCAAGATGGGCGCCGCCATCTTGGTAGCGGCACGAAGGGAATGCT-3'